The following is an entry in ClinVar:

NM_000397.4(CYBB):c.595del (p.Arg199fs)

Gene: CYBB (cytochrome b-245 beta chain; plus strand). Cytogenetic location: Xp21.1.
Variant type: Deletion.
Coding change: c.595del on transcript NM_000397.4 (MANE Select); coding-DNA position 595, one base deleted (A; older notation c.595delA).
Protein change: p.Arg199fs; shifts the reading frame from arginine 199.
Molecular consequence: frameshift variant.
Genome position (GRCh38, 1-based): chrX:37,796,062, A deleted. VCF-style (leftmost placement, unchanged base first): chrX-37796061-GA-G. GRCh37 (hg19) VCF-style: chrX-37655314-GA-G.
Other names: c.595delA, p.Arg199Glyfs (NM_000397.3); short protein forms R199fs.
Identifiers: ClinVar variation 2662770 (VCV002662770.1), dbSNP rs2519202036, ClinGen allele CA2695200170.

ClinVar aggregate classification (germline): Likely pathogenic (1 of 4 stars; one submission).

Submission:

GeneDx
Classification: Likely pathogenic. Last evaluated: 2023-04-05. Review status: criteria provided, single submitter. Criteria: GeneDx Variant Classification Process June 2021. Collection method: clinical testing. Allele origin: germline. Affected: yes.
Comment: Reported with alternate nomenclature in a patient with X-linked CGD in published literature (Rae et al., 1998); clinical information is limited; Frameshift variant predicted to result in protein truncation or nonsense mediated decay in a gene for which loss of function is a known mechanism of disease; Not observed at significant frequency in large population cohorts (gnomAD); This variant is associated with the following publications: (PMID: 9585602)